The following is an entry in ClinVar:

NM_000278.5(PAX2):c.409A>T (p.Arg137Ter)

Gene: PAX2 (paired box 2; plus strand). Cytogenetic location: 10q24.31.
Variant type: single nucleotide variant.
Coding change: c.409A>T on transcript NM_000278.5 (MANE Select); coding-DNA position 409, A replaced by T.
Protein change: p.Arg137Ter; replaces arginine 137 with a stop codon.
Molecular consequence: nonsense.
Genome position (GRCh38, 1-based): chr10:100,750,890, A>T. VCF-style: chr10-100750890-A-T. GRCh37 (hg19) VCF-style: chr10-102510647-A-T.
Other names: c.502A>T, p.Arg168Ter (NM_001304569.2); c.409A>T, p.Arg137Ter (NM_003987.5, NM_003988.5, NM_003989.5 and 1 more transcripts); short protein forms R137*, R168*.
Identifiers: ClinVar variation 1705469 (VCV001705469.1), dbSNP rs2492900437, ClinGen allele CA378258215.

ClinVar aggregate classification (germline): Pathogenic (1 of 4 stars; one submission).

Conditions:
Renal coloboma syndrome (PAPRS). Also called: OPTIC COLOBOMA, VESICOURETERAL REFLUX, AND RENAL ANOMALIES; OPTIC NERVE COLOBOMA WITH RENAL DISEASE; RENAL-COLOBOMA SYNDROME WITH MACULAR ABNORMALITIES; CONGENITAL ANOMALIES OF THE KIDNEY AND URINARY TRACT WITH OR WITHOUT OCULAR ABNORMALITIES; CAKUT WITH OR WITHOUT OCULAR ABNORMALITIES; COLOBOMA OF OPTIC NERVE WITH RENAL DISEASE. Identifiers: Orphanet 1475, MedGen C1852759, MONDO:0007352, OMIM 120330.

Submission:

3billion
Classification: Pathogenic for Renal coloboma syndrome. Last evaluated: 2022-09-01. Review status: criteria provided, single submitter. Criteria: ACMG Guidelines, 2015. Collection method: clinical testing. Allele origin: germline. Affected: yes. Observed: 1 heterozygote.
Comment: The variant is not observed in the gnomAD v2.1.1 dataset. Stop-gained (nonsense) is predicted to result in a loss or disruption of normal protein function through nonsense-mediated decay (NMD) or protein truncation. Multiple pathogenic variants are reported downstream of the variant. The variant has been confirmed to be de novo. Therefore, this variant is classified as Pathogenic according to the recommendation of ACMG/AMP guideline.